The following is an entry in ClinVar:

NM_000088.4(COL1A1):c.331G>T (p.Glu111Ter)

Gene: COL1A1 (collagen type I alpha 1 chain; minus strand). Cytogenetic location: 17q21.33.
Variant type: single nucleotide variant.
Coding change: c.331G>T on transcript NM_000088.4 (MANE Select); coding-DNA position 331, G replaced by T.
Protein change: p.Glu111Ter; replaces glutamic acid 111 with a stop codon.
Molecular consequence: nonsense.
Genome position (GRCh38, 1-based): chr17:50,199,558, C>A on the plus strand (G>T on the coding strand, the complement: COL1A1 is on the minus strand). VCF-style: chr17-50199558-C-A. GRCh37 (hg19) VCF-style: chr17-48276919-C-A.
Other names: short protein forms E111*.
Identifiers: ClinVar variation 4819351 (VCV004819351.1).

ClinVar aggregate classification (germline): Pathogenic (1 of 4 stars; one submission).

Conditions:
Osteogenesis imperfecta type I (OI1). Also called: Lobstein's Disease; Lobstein disease; OI, TYPE I; OSTEOGENESIS IMPERFECTA TARDA; OSTEOGENESIS IMPERFECTA WITH BLUE SCLERAE; Osteogenesis imperfecta type 1. Identifiers: Orphanet 216796, Orphanet 666, MedGen C0023931, MONDO:0008146, OMIM 166200. Disease mechanism: loss of function.

Submission:

Clinical Biomedical Laboratory, Shriners Hospital For Children - Canada
Classification: Pathogenic for Osteogenesis imperfecta type I. Review status: criteria provided, single submitter. Criteria: ACMG Guidelines, 2015. Collection method: clinical testing. Allele origin: germline. Affected: yes.
Comment: This variant is predicted to substitute a glutamine residue by a stop codon. This is expected to lead to degradation of the affected transcript and loss of function of the affected allele. This variant is absent from the Genome Aggregation Database (v2.1.1.), indicating it is very rare. Based on the ACMG variant interpretation guidelines (criteria: PVS1, PM2, PP4), the available evidence supports classification of this variant as pathogenic.